The following is an entry in ClinVar:

ClinVar aggregate classification (germline): Uncertain significance (1 of 4 stars; one submission).

Conditions:
Inborn genetic diseases. Identifiers: MedGen C0950123, MeSH D030342.

gnomAD v4.1: 2 of 1,614,042 alleles (0.00012%); highest among the groups gnomAD compares: Admixed American, 0.0017%; no homozygotes.

Submission:

Ambry Genetics
Classification: Uncertain significance for Inborn genetic diseases. Last evaluated: 2025-10-06. Review status: criteria provided, single submitter. Criteria: Ambry Variant Classification Scheme 2023. Collection method: clinical testing. Allele origin: germline.
Comment: The c.415C>T (p.R139C) alteration is located in exon 4 (coding exon 3) of the SETD1A gene. This alteration results from a C to T substitution at nucleotide position 415, causing the arginine (R) at amino acid position 139 to be replaced by a cysteine (C). Based on data from gnomAD, the T allele has an overall frequency of <0.001% (1/251370) total alleles studied. The highest observed frequency was 0.003% (1/34584) of Latino alleles. Based on insufficient or conflicting evidence, the clinical significance of this alteration remains unclear.

NM_014712.3(SETD1A):c.415C>T (p.Arg139Cys)

Gene: SETD1A (SET domain containing 1A, histone lysine methyltransferase; plus strand). Cytogenetic location: 16p11.2.
Variant type: single nucleotide variant.
Coding change: c.415C>T on transcript NM_014712.3 (MANE Select); coding-DNA position 415, C replaced by T.
Protein change: p.Arg139Cys; replaces arginine 139 with cysteine.
Molecular consequence: missense variant.
Genome position (GRCh38, 1-based): chr16:30,961,435, C>T. VCF-style: chr16-30961435-C-T. GRCh37 (hg19) VCF-style: chr16-30972756-C-T.
Other names: short protein forms R139C.
Identifiers: ClinVar variation 4630555 (VCV004630555.1).